The following is an entry in ClinVar:

NM_001063.4(TF):c.1069G>T (p.Glu357Ter)

Gene: TF (transferrin; plus strand). Cytogenetic location: 3q22.1.
Variant type: single nucleotide variant.
Coding change: c.1069G>T on transcript NM_001063.4 (MANE Select); coding-DNA position 1069, G replaced by T.
Protein change: p.Glu357Ter; replaces glutamic acid 357 with a stop codon.
Molecular consequence: nonsense.
Genome position (GRCh38, 1-based): chr3:133,759,195, G>T. VCF-style: chr3-133759195-G-T. GRCh37 (hg19) VCF-style: chr3-133478039-G-T.
Other names: c.937G>T, p.Glu313Ter (NM_001354703.2); c.688G>T, p.Glu230Ter (NM_001354704.2); short protein forms E357*, E313*, E230*.
Identifiers: ClinVar variation 161508 (VCV000161508.2), dbSNP rs193921099, ClinGen allele CA174166.

ClinVar aggregate classification (germline): Uncertain significance (0 of 4 stars; one submission).

Conditions:
Prostate cancer. Also called: Malignant tumor of prostate. Identifiers: Orphanet 1331, MedGen C0376358, MONDO:0008315, HP:0012125.

Submission:

Science for Life laboratory,  Karolinska Institutet
Classification: Uncertain significance for Malignant tumor of prostate. Review status: no assertion criteria provided. Collection method: not provided. Allele origin: somatic.
Comment: TumorID:SWE-91A
ClinVar note: Converted during submission from Unknown to Uncertain significance.